The following is an entry in ClinVar:

ClinVar aggregate classification (germline): Benign. Review status: criteria provided, multiple submitters, no conflicts (2 of 4 stars). 2 submissions from 2 submitters: Benign (2). Last evaluated 2018-06-19.

Allele frequency attached by ClinVar (database versions not stated): gnomAD exomes 0.00274; gnomAD 0.01627 and 0.01759; 1000 Genomes Project 0.01737; 1000 Genomes Project 30x 0.01952; TOPMed 0.01989.
gnomAD v4.1: 5,883 of 1,338,742 alleles (0.44%); highest among the groups gnomAD compares: African/African-American, 5.4%; 125 homozygotes.

Submissions (2):

GeneDx
Classification: Benign. Last evaluated: 2018-06-19. Review status: criteria provided, single submitter. Criteria: GeneDx Variant Classification (06012015). Collection method: clinical testing. Allele origin: germline. Affected: yes.
Comment: This variant is considered likely benign or benign based on one or more of the following criteria: it is a conservative change, it occurs at a poorly conserved position in the protein, it is predicted to be benign by multiple in silico algorithms, and/or has population frequency not consistent with disease.

Breakthrough Genomics
Classification: Benign. Review status: criteria provided, single submitter. Criteria: ACMG Guidelines, 2015. Collection method: not provided. Allele origin: germline. Inheritance: Autosomal dominant inheritance. Affected: yes.

NM_020774.4(MIB1):c.1677+70A>G

Gene: MIB1 (MIB E3 ubiquitin protein ligase 1; plus strand). Cytogenetic location: 18q11.2.
Variant type: single nucleotide variant.
Coding change: c.1677+70A>G on transcript NM_020774.4 (MANE Select); 70 bases into the intron after coding-DNA position 1677, A replaced by G.
Molecular consequence: intron variant.
Genome position (GRCh38, 1-based): chr18:21,815,883, A>G. VCF-style: chr18-21815883-A-G. GRCh37 (hg19) VCF-style: chr18-19395844-A-G.
Identifiers: ClinVar variation 678691 (VCV000678691.2), dbSNP rs9951204, ClinGen allele CA297002815.